The following is an entry in ClinVar:

ClinVar aggregate classification (germline): Uncertain significance. Review status: criteria provided, multiple submitters, no conflicts (2 of 4 stars). 2 submissions from 2 submitters: Uncertain significance (2). Last evaluated 2025-10-08.

Allele frequency attached by ClinVar (database versions not stated): gnomAD exomes below 0.00001; TOPMed below 0.00001.
gnomAD v4.1: 6 of 1,613,216 alleles (0.00037%); highest among the groups gnomAD compares: Middle Eastern, 0.016%; no homozygotes.

Submissions (2):

Dasa
Classification: Uncertain significance. Last evaluated: 2025-10-08. Review status: criteria provided, single submitter. Criteria: DASA Assertion Criteria. Collection method: clinical testing. Allele origin: germline.
Comment: NM_031935.3(HMCN1):c.1828+3A>G is a splice-region variant. This variant is rare in population databases. Computational prediction algorithms are consistent with a deleterious effect. The currently available literature and clinical evidence are not sufficient to establish a definitive association between this variant and the reported condition. Therefore, this variant is classified as a variant of uncertain significance.

Labcorp Genetics (formerly Invitae), Labcorp
Classification: Uncertain significance. Last evaluated: 2022-08-16. Review status: criteria provided, single submitter. Criteria: Invitae Variant Classification Sherloc (09022015). Collection method: clinical testing. Allele origin: germline.
Comment: In summary, the available evidence is currently insufficient to determine the role of this variant in disease. Therefore, it has been classified as a Variant of Uncertain Significance. Variants that disrupt the consensus splice site are a relatively common cause of aberrant splicing (PMID: 17576681, 9536098). Algorithms developed to predict the effect of sequence changes on RNA splicing suggest that this variant may disrupt the consensus splice site. This variant has not been reported in the literature in individuals affected with HMCN1-related conditions. This variant is present in population databases (no rsID available, gnomAD 0.003%). This sequence change falls in intron 11 of the HMCN1 gene. It does not directly change the encoded amino acid sequence of the HMCN1 protein. It affects a nucleotide within the consensus splice site.

Literature cited by the submitters: PubMed 17576681 (cited by Labcorp Genetics (formerly Invitae), Labcorp); PubMed 9536098 (cited by Labcorp Genetics (formerly Invitae), Labcorp).

NM_031935.3(HMCN1):c.1828+3A>G

Gene: HMCN1 (hemicentin 1; plus strand). Cytogenetic location: 1q31.1.
Variant type: single nucleotide variant.
Coding change: c.1828+3A>G on transcript NM_031935.3 (MANE Select); 3 bases into the intron after coding-DNA position 1828, A replaced by G.
Molecular consequence: intron variant.
Genome position (GRCh38, 1-based): chr1:185,933,827, A>G. VCF-style: chr1-185933827-A-G. GRCh37 (hg19) VCF-style: chr1-185902959-A-G.
Identifiers: ClinVar variation 1900306 (VCV001900306.7), dbSNP rs1484639090, ClinGen allele CA527666050.
Genomic context (GRCh38, chr1:185,933,827, plus strand): 5'-TGTATGGTTTCTAGTGAAGGTGGATCATCAGCCGCTTCAGTTTTCCTCACAGTGCAAGGT[A>G]CAGTGCTTTGGTAACTTCTGAATTATGACATCTTTCTGTCCTCTATTTTTAAAATTTTTG-3'